The following is an entry in ClinVar:

NM_000053.4(ATP7B):c.1145_1151del (p.Ser382fs)

Gene: ATP7B (ATPase copper transporting beta; minus strand). Cytogenetic location: 13q14.3.
Variant type: Deletion.
Coding change: c.1145_1151del on transcript NM_000053.4 (MANE Select); coding-DNA positions 1145 to 1151, 7 bases deleted (CCCAACT; older notation c.1145_1151delCCCAACT).
Protein change: p.Ser382fs; shifts the reading frame from serine 382.
Molecular consequence: frameshift variant.
Genome position (GRCh38, 1-based): chr13:51,974,069-51,974,075, AGTTGGG deleted on the plus strand (CCCAACT on the coding strand, the reverse complement: ATP7B is on the minus strand); deleting any 7 consecutive bases within chr13:51,974,069-51,974,077 gives the same sequence; the c. name uses the placement nearest the transcript's 3' end. VCF-style (leftmost placement, unchanged base first): chr13-51974068-CAGTTGGG-C. GRCh37 (hg19) VCF-style: chr13-52548204-CAGTTGGG-C.
Other names: c.1145_1151del (NM_000053.3); c.1145_1151del, p.Ser382fs (NM_001005918.3, NM_001330578.2, NM_001330579.2); c.812_818del, p.Ser271fs (NM_001243182.2); short protein forms S382fs, S271fs.
Identifiers: ClinVar variation 523941 (VCV000523941.29), dbSNP rs1176709391, ClinGen allele CA484024617.
Genomic context (GRCh38, chr13:51,974,068, plus strand): 5'-ATTATAAAGAACTGTTGCAGTCCCTTCGGCCAAAGACACCGATATTTGCTGCACCCCTTC[CAGTTGGG>C]AGATCATGCCTTCAATGGAATGGACACAGGATGCACAGGTCATGCCGGCAATGGCAATCA-3'

ClinVar aggregate classification (germline): Pathogenic/Likely pathogenic. Review status: criteria provided, multiple submitters, no conflicts (2 of 4 stars). 12 submissions from 12 submitters: Pathogenic (10); Likely pathogenic (2). Last evaluated 2025-11-18.

Conditions:
Wilson disease (WND). Also called: Wilson's disease. Identifiers: Orphanet 905, MedGen C0019202, MONDO:0010200, OMIM 277900. Disease mechanism: loss of function.
ATP7B-related disorder. Also called: ATP7B-related condition.

Submissions (12):

Labcorp Genetics (formerly Invitae), Labcorp
Classification: Pathogenic for Wilson disease. Last evaluated: 2025-11-18. Review status: criteria provided, single submitter. Criteria: Invitae Variant Classification Sherloc (09022015). Collection method: clinical testing. Allele origin: germline.
Comment: This sequence change creates a premature translational stop signal (p.Ser382Trpfs*24) in the ATP7B gene. It is expected to result in an absent or disrupted protein product. Loss-of-function variants in ATP7B are known to be pathogenic (PMID: 10441329, 16283883). This variant is present in population databases (no rsID available, gnomAD 0.004%). This premature translational stop signal has been observed in individual(s) with Wilson disease (PMID: 10502777). This variant is also known as 1143del7. ClinVar contains an entry for this variant (Variation ID: 523941). For these reasons, this variant has been classified as Pathogenic.

GeneDx
Classification: Likely pathogenic. Last evaluated: 2025-04-23. Review status: criteria provided, single submitter. Criteria: GeneDx Variant Classification Process June 2021. Collection method: clinical testing. Allele origin: germline. Affected: yes.
Comment: Identified in patients with Wilson disease, however detailed clinical information was not provided (PMID: 36096368, 10502777); Frameshift variant predicted to result in protein truncation or nonsense mediated decay in a gene for which loss of function is a known mechanism of disease; Not observed at significant frequency in large population cohorts (gnomAD); This variant is associated with the following publications: (PMID: 36096368, 10502777)

Institute Of Liver Studies, NHS South East Genomic Laboratory Hub
Classification: Pathogenic for Wilson disease. Last evaluated: 2025-04-05. Review status: criteria provided, single submitter. Criteria: ACGS Best Practice Guidelines for Variant Classification in Rare Disease 2020. Collection method: clinical testing. Allele origin: germline. Affected: yes.

PreventionGenetics, part of Exact Sciences
Classification: Pathogenic for ATP7B-related condition. Last evaluated: 2024-10-18. Review status: criteria provided, single submitter. Criteria: ACMG Guidelines, 2015. Collection method: clinical testing. Allele origin: germline.
Comment: The ATP7B c.1145_1151del7 variant is predicted to result in a frameshift and premature protein termination (p.Ser382Trpfs*24). This variant has been reported in multiple individuals with Wilson disease (referred to as 1143del7, Curtis et al. 1999. PubMed ID: 10502777; Nayagam et al. 2022. PubMed ID: 36096368; Supplementary Table 2, Coffey et al. 2013. PubMed ID: 23518715). This variant is reported in 0.0041% of alleles in individuals of African descent in gnomAD. Frameshift variants in ATP7B are expected to be pathogenic. This variant is interpreted as pathogenic.

All of Us Research Program, National Institutes of Health
Classification: Pathogenic for Wilson disease. Last evaluated: 2024-09-23. Review status: criteria provided, single submitter. Criteria: ACMG Guidelines, 2015. Collection method: clinical testing. Allele origin: germline. Inheritance: Autosomal recessive inheritance. Observed: 4 variant alleles, 4 heterozygotes.
Comment: This variant deletes 7 nucleotides in exon 2/21 of the ATP7B gene, creating a frameshift and premature translation stop signal. This variant is expected to result in an absent or non-functional protein product. This variant has been observed in individuals affected with autosomal recessive Wilson disease with at least 6 different co-variants (PMID: 10502777, 17449133, 23518715, 36096368), indicating that this variant contributes to disease. This variant has been identified in 4/280956 chromosomes in the general population by the Genome Aggregation Database (gnomAD). Loss of ATP7B function is a known mechanism of disease. Based on the available evidence, this variant is classified as Pathogenic.

This study involves interpretation of variants in research participants for the purpose of population health screening. Participant phenotype was not available at the time of variant classification. Additional details can be found in publication PMID: 35346344, PMCID: PMC8962531

Natera, Inc.
Classification: Pathogenic for Wilson disease. Last evaluated: 2024-09-09. Review status: criteria provided, single submitter. Criteria: Natera Variant Classification Schema (03/2026). Collection method: clinical testing. Allele origin: germline.
Comment: The c.1145_1151delCCCAACT variant in ATP7B is a frameshift variant predicted to shift the reading frame beginning at codon 382 and leads to a stop codon 24 codons downstream. This variant is expected to result in nonsense mediated decay, truncation, or a dysfunctional protein product. This variant is rare in the general population with a frequency below the threshold expected for the associated phenotype(s). This variant has been observed in one or more individuals affected with the associated recessive disease, as either homozygous or compound heterozygous with a second variant (PMID: 23518715). Given the available evidence, this variant is classified as Pathogenic.

Baylor Genetics
Classification: Pathogenic for Wilson disease. Last evaluated: 2024-03-07. Review status: criteria provided, single submitter. Criteria: ACMG Guidelines, 2015. Collection method: clinical testing. Allele origin: unknown.

Mayo Clinic Laboratories, Mayo Clinic
Classification: Pathogenic. Last evaluated: 2021-09-01. Review status: criteria provided, single submitter. Criteria: ACMG Guidelines, 2015. Collection method: clinical testing. Allele origin: germline.
Comment: PM2, PVS1

Fulgent Genetics
Classification: Pathogenic for Wilson disease. Last evaluated: 2021-06-30. Review status: criteria provided, single submitter. Criteria: ACMG Guidelines, 2015. Collection method: clinical testing. Allele origin: unknown.
Comment: This variant has been detected in individual(s) who were sent for testing of Renasight - kidney gene panel.

Laboratory for Molecular Medicine, Mass General Brigham Personalized Medicine
Classification: Pathogenic for Wilson disease. Last evaluated: 2020-06-11. Review status: criteria provided, single submitter. Criteria: ACMG Guidelines, 2015. Collection method: clinical testing. Allele origin: germline.
Comment: The p.Ser382TrpfsX24 variant in ATP7B has been previously reported in 3 alleles from a cohort of British patients with Wilson disease (Curtis 1999). It has also been reported in six compound heterozyous patients with Wilson disease (Coffey 2013). This variant has been identified 1/24204 African chromosomes by gnomAD. This variant is predicted to cause a frameshift, which alters the protein’s amino acid sequence beginning at position 382 and leads to a premature termination codon 24 amino acids downstream. This alteration is then predicted to lead to a truncated or absent protein. Loss of function of the ATP7B gene is an established disease mechanism in autosomal recessive Wilson disease. In summary, this variant meets criteria to be classified as pathogenic for autosomal recessive Wilson disease. ACMG/AMP criteria applied: PVS1, PM3_Strong, PM2_Supporting, PP4.

Blueprint Genetics
Classification: Likely pathogenic for ATP7B-related disorders. Last evaluated: 2018-12-31. Review status: criteria provided, single submitter. Criteria: ACMG Guidelines, 2015. Collection method: clinical testing. Allele origin: germline. Affected: yes. Observed: 1 variant allele.

Women's Health and Genetics/Laboratory Corporation of America, LabCorp
Classification: Pathogenic for Wilson disease. Last evaluated: 2018-05-29. Review status: criteria provided, single submitter. Criteria: LabCorp Variant Classification Summary - May 2015. Collection method: clinical testing. Allele origin: germline.
Comment: Variant summary: ATP7B c.1145_1151delCCCAACT (p.Ser382TrpfsX24) results in a premature termination codon, predicted to cause a truncation of the encoded protein or absence of the protein due to nonsense mediated decay, which are commonly known mechanisms for disease. Truncations downstream of this position have been classified as pathogenic by our laboratory (eg. c.1531C>T (p.Gln511X), c.1716delG (p.Met573X), and c.1745_1746delTA (p.Ile582fsX25)). The variant allele was found at a frequency of 1.4e-05 in 277184 control chromosomes (gnomAD). This frequency is not significantly higher than expected for a pathogenic variant in ATP7B causing Wilson Disease (1.4e-05 vs 0.0054), allowing no conclusion about variant significance. The variant, c.1145_1151delCCCAACT, has been reported in the literature in multiple individuals affected with Wilson Disease (Curtis_1999, Coffey_2013). These data indicate that the variant is very likely to be associated with disease. To our knowledge, no experimental evidence demonstrating an impact on protein function has been reported. Multiple ClinVar submissions from clinical diagnostic laboratories (evaluation after 2014) cites variant as "pathogenic/likely pathogenic." Based on the evidence outlined above, the variant was classified as pathogenic.

Literature cited by the submitters: PubMed 10441329 (cited by Labcorp Genetics (formerly Invitae), Labcorp); PubMed 16283883 (cited by Labcorp Genetics (formerly Invitae), Labcorp); PubMed 10502777 (cited by 5 submitters); PubMed 17449133 (cited by All of Us Research Program, National Institutes of Health); PubMed 23518715 (cited by 5 submitters); PubMed 36096368 (cited by All of Us Research Program, National Institutes of Health).